The following is an entry in ClinVar:

ClinVar aggregate classification (germline): Conflicting classifications of pathogenicity. Review status: criteria provided, conflicting classifications (1 of 4 stars). 3 submissions from 3 submitters: Uncertain significance (2); Likely benign (1). Last evaluated 2025-02-26.

Conditions:
Inborn genetic diseases. Identifiers: MedGen C0950123, MeSH D030342.

Allele frequency attached by ClinVar (database versions not stated): gnomAD 0.00001; gnomAD exomes 0.00001; TOPMed 0.00001; ExAC 0.00002.
gnomAD v4.1: 15 of 1,612,748 alleles (0.00093%); highest among the groups gnomAD compares: African/African-American, 0.0027%; no homozygotes.

Submissions (3):

Ambry Genetics
Classification: Uncertain significance for Inborn genetic diseases. Last evaluated: 2025-02-26. Review status: criteria provided, single submitter. Criteria: Ambry Variant Classification Scheme 2023. Collection method: clinical testing. Allele origin: germline.
Comment: The p.K473E variant (also known as c.1417A>G), located in coding exon 13 of the ANKRD26 gene, results from an A to G substitution at nucleotide position 1417. The lysine at codon 473 is replaced by glutamic acid, an amino acid with similar properties. This amino acid position is conserved. In addition, this alteration is predicted to be tolerated by in silico analysis. Based on the available evidence, the clinical significance of this variant remains unclear.

GeneDx
Classification: Uncertain significance. Last evaluated: 2024-12-13. Review status: criteria provided, single submitter. Criteria: GeneDx Variant Classification Process June 2021. Collection method: clinical testing. Allele origin: germline.
Comment: Not observed at significant frequency in large population cohorts (gnomAD); In silico analysis indicates that this missense variant does not alter protein structure/function; Has not been previously published as pathogenic or benign to our knowledge

CeGaT Center for Human Genetics Tuebingen
Classification: Likely benign. Last evaluated: 2024-10-01. Review status: criteria provided, single submitter. Criteria: CeGaT Center For Human Genetics Tuebingen Variant Classification Criteria Version 2. Collection method: clinical testing. Allele origin: germline. Affected: yes. Observed: 1 variant allele.
Comment: ANKRD26: BP4

NM_014915.3(ANKRD26):c.1417A>G (p.Lys473Glu)

Gene: ANKRD26 (ankyrin repeat domain 26; minus strand). Cytogenetic location: 10p12.1.
Variant type: single nucleotide variant.
Coding change: c.1417A>G on transcript NM_014915.3 (MANE Select); coding-DNA position 1417, A replaced by G.
Protein change: p.Lys473Glu; replaces lysine 473 with glutamic acid.
Molecular consequence: missense variant.
Genome position (GRCh38, 1-based): chr10:27,061,189, T>C on the plus strand (A>G on the coding strand, the complement: ANKRD26 is on the minus strand). VCF-style: chr10-27061189-T-C. GRCh37 (hg19) VCF-style: chr10-27350118-T-C.
Other names: c.1417A>G, p.Lys473Glu (NM_001256053.2); short protein forms K473E.
Identifiers: ClinVar variation 2397765 (VCV002397765.19), dbSNP rs774535114, ClinGen allele CA5448559.
Genomic context (GRCh38, chr10:27,061,189, plus strand): 5'-ATTTTTTTTCCATACCCATGTGGGCTACTGGCATGCCTACATTTCTTGTATCCTCTAGTT[T>C]AGCCATCTTAAAGTTTCTTGATCCACTCATGCAAGAAGGTATATAAAACACATCTAAGAA-3'
Protein context (NP_055730.2, residues 463-483): MSGSRNFKMA[Lys473Glu]LEDTRNVGMP